The following is an entry in ClinVar:

ClinVar aggregate classification (germline): Uncertain significance (1 of 4 stars; one submission).

Submission:

Labcorp Genetics (formerly Invitae), Labcorp
Classification: Uncertain significance. Last evaluated: 2022-06-26. Review status: criteria provided, single submitter. Criteria: Invitae Variant Classification Sherloc (09022015). Collection method: clinical testing. Allele origin: germline.
Comment: This sequence change replaces proline, which is neutral and non-polar, with glutamine, which is neutral and polar, at codon 955 of the BRD4 protein (p.Pro955Gln). In summary, the available evidence is currently insufficient to determine the role of this variant in disease. Therefore, it has been classified as a Variant of Uncertain Significance. Algorithms developed to predict the effect of missense changes on protein structure and function are either unavailable or do not agree on the potential impact of this missense change (SIFT: "Tolerated"; PolyPhen-2: "Possibly Damaging"; Align-GVGD: "Class C0"). This variant has not been reported in the literature in individuals affected with BRD4-related conditions. This variant is not present in population databases (gnomAD no frequency).

NM_001379291.1(BRD4):c.2864C>A (p.Pro955Gln)

Gene: BRD4 (bromodomain containing 4; minus strand). Cytogenetic location: 19p13.12.
Variant type: single nucleotide variant.
Coding change: c.2864C>A on transcript NM_001379291.1 (MANE Select); coding-DNA position 2864, C replaced by A.
Protein change: p.Pro955Gln; replaces proline 955 with glutamine.
Molecular consequence: missense variant.
Genome position (GRCh38, 1-based): chr19:15,243,205, G>T on the plus strand (C>A on the coding strand, the complement: BRD4 is on the minus strand). VCF-style: chr19-15243205-G-T. GRCh37 (hg19) VCF-style: chr19-15354016-G-T.
Other names: c.2864C>A, p.Pro955Gln (NM_058243.3); short protein forms P955Q.
Identifiers: ClinVar variation 2011172 (VCV002011172.4), dbSNP rs2512711671, ClinGen allele CA404504436.